The following is an entry in ClinVar:

ClinVar aggregate classification (germline): Uncertain significance (1 of 4 stars; one submission).

Allele frequency attached by ClinVar (database versions not stated): gnomAD exomes below 0.00001.

Submission:

Labcorp Genetics (formerly Invitae), Labcorp
Classification: Uncertain significance. Last evaluated: 2021-10-30. Review status: criteria provided, single submitter. Criteria: Invitae Variant Classification Sherloc (09022015). Collection method: clinical testing. Allele origin: germline.
Comment: This sequence change replaces threonine, which is neutral and polar, with alanine, which is neutral and non-polar, at codon 274 of the GNRHR protein (p.Thr274Ala). This variant is not present in population databases (gnomAD no frequency). In summary, the available evidence is currently insufficient to determine the role of this variant in disease. Therefore, it has been classified as a Variant of Uncertain Significance. Algorithms developed to predict the effect of missense changes on protein structure and function output the following: SIFT: "Tolerated"; PolyPhen-2: "Benign"; Align-GVGD: "Class C0". The alanine amino acid residue is found in multiple mammalian species, which suggests that this missense change does not adversely affect protein function. This variant has not been reported in the literature in individuals affected with GNRHR-related conditions.

NM_000406.3(GNRHR):c.820A>G (p.Thr274Ala)

Gene: GNRHR (gonadotropin releasing hormone receptor; minus strand). Cytogenetic location: 4q13.2.
Variant type: single nucleotide variant.
Coding change: c.820A>G on transcript NM_000406.3 (MANE Select); coding-DNA position 820, A replaced by G.
Protein change: p.Thr274Ala; replaces threonine 274 with alanine.
Molecular consequence: missense variant.
Genome position (GRCh38, 1-based): chr4:67,740,647, T>C on the plus strand (A>G on the coding strand, the complement: GNRHR is on the minus strand). VCF-style: chr4-67740647-T-C. GRCh37 (hg19) VCF-style: chr4-68606365-T-C.
Other names: c.692A>G, p.His231Arg (NM_001012763.2); short protein forms T274A, H231R.
Identifiers: ClinVar variation 1367186 (VCV001367186.6), dbSNP rs1731641349, ClinGen allele CA357048005.